The following is an entry in ClinVar:

NM_001031710.3(KLHL7):c.975del (p.Lys325fs)

Gene: KLHL7 (kelch like family member 7; plus strand). Cytogenetic location: 7p15.3.
Variant type: Deletion.
Coding change: c.975del on transcript NM_001031710.3 (MANE Select); coding-DNA position 975, one base deleted (A; older notation c.975delA).
Protein change: p.Lys325fs; shifts the reading frame from lysine 325.
Molecular consequence: frameshift variant. On other transcripts: non-coding transcript variant (1).
Genome position (GRCh38, 1-based): chr7:23,165,736, A deleted; the last of 5 consecutive A bases (chr7:23,165,732-23,165,736); deleting any one gives the same sequence. VCF-style (leftmost placement, unchanged base first): chr7-23165731-GA-G. GRCh37 (hg19) VCF-style: chr7-23205350-GA-G.
Other names: c.831del, p.Lys277fs (NM_018846.5); c.975delA (NM_001031710.3); short protein forms K277fs, K325fs.
Identifiers: ClinVar variation 198760 (VCV000198760.6), dbSNP rs794727909, ClinGen allele CA247564.
Genomic context (GRCh38, chr7:23,165,731, plus strand): 5'-AAAGCTTCCCATCCTTTTCTGCTACAGGATTATAGCTGGACAGACATCCGCTGCCCCTTT[GA>G]AAAACGAAGAGATGCAGCATGCGTGTTTTGGGACAATGTAGTATACATTTTGGGAGGCTC-3'

ClinVar aggregate classification (germline): Conflicting classifications of pathogenicity. Review status: criteria provided, conflicting classifications (1 of 4 stars). 2 submissions from 2 submitters: Pathogenic (1); Uncertain significance (1). Last evaluated 2024-05-07.

Conditions:
KLHL7-related disorder. Also called: KLHL7-related condition; KLHL7-related disorders.

Submissions (2):

Women's Health and Genetics/Laboratory Corporation of America, LabCorp
Classification: Pathogenic for KLHL7-Related Disorders. Last evaluated: 2024-05-07. Review status: criteria provided, single submitter. Criteria: LabCorp Variant Classification Summary - May 2015. Collection method: clinical testing. Allele origin: germline.
Comment: Variant summary: KLHL7 c.975delA (p.Lys325AsnfsX13) results in a premature termination codon, predicted to cause a truncation of the encoded protein or absence of the protein due to nonsense mediated decay, which are commonly known mechanisms for disease. The variant was absent in 251414 control chromosomes. To our knowledge, no occurrence of c.975delA in individuals affected with KLHL7-Related Disorders and no experimental evidence demonstrating its impact on protein function have been reported. ClinVar contains an entry for this variant (Variation ID: 198760). Based on the evidence outlined above, the variant was classified as pathogenic.

Eurofins Ntd Llc (ga)
Classification: Uncertain significance. Last evaluated: 2015-03-12. Review status: criteria provided, single submitter. Criteria: EGL Classification Definitions 2015. Collection method: clinical testing. Allele origin: germline. Observed: 1 variant allele, 1 heterozygote.